The following is an entry in ClinVar:

ClinVar aggregate classification (germline): Pathogenic (1 of 4 stars; one submission).

Submission:

Labcorp Genetics (formerly Invitae), Labcorp
Classification: Pathogenic. Last evaluated: 2023-01-31. Review status: criteria provided, single submitter. Criteria: Invitae Variant Classification Sherloc (09022015). Collection method: clinical testing. Allele origin: germline.
Comment: This variant is not present in population databases (gnomAD no frequency). For these reasons, this variant has been classified as Pathogenic. This variant has not been reported in the literature in individuals affected with TRPM1-related conditions. This sequence change creates a premature translational stop signal (p.Ile386Serfs*62) in the TRPM1 gene. It is expected to result in an absent or disrupted protein product. Loss-of-function variants in TRPM1 are known to be pathogenic (PMID: 19896113, 19966281, 20300565).

Literature cited by the submitters: PubMed 19896113; PubMed 19966281; PubMed 20300565.

NM_001252024.2(TRPM1):c.1223_1224del (p.Ile408fs)

Gene: TRPM1 (transient receptor potential cation channel subfamily M member 1; minus strand). Cytogenetic location: 15q13.3.
Variant type: Deletion.
Coding change: c.1223_1224del on transcript NM_001252024.2 (MANE Select); coding-DNA positions 1223 to 1224, 2 bases deleted (TA; older notation c.1223_1224delTA).
Protein change: p.Ile408fs; shifts the reading frame from isoleucine 408.
Molecular consequence: frameshift variant.
Genome position (GRCh38, 1-based): chr15:31,060,583-31,060,584, TA deleted on the plus strand (TA on the coding strand, the reverse complement: TRPM1 is on the minus strand); deleting any 2 consecutive bases within chr15:31,060,583-31,060,585 gives the same sequence; the c. name uses the placement nearest the transcript's 3' end. VCF-style (leftmost placement, unchanged base first): chr15-31060582-CTA-C. GRCh37 (hg19) VCF-style: chr15-31352785-CTA-C.
Other names: c.1274_1275del, p.Ile425fs (NM_001252020.2); c.1157_1158del, p.Ile386fs (NM_002420.6); short protein forms I408fs, I386fs, I425fs.
Identifiers: ClinVar variation 2879560 (VCV002879560.3), dbSNP rs2034203464, ClinGen allele CA968310217.